The following is an entry in ClinVar:

NM_057176.3(BSND):c.951C>A (p.Asp317Glu)

Gene: BSND (barttin CLCNK type accessory subunit beta; plus strand). Cytogenetic location: 1p32.3.
Variant type: single nucleotide variant.
Coding change: c.951C>A on transcript NM_057176.3 (MANE Select); coding-DNA position 951, C replaced by A.
Protein change: p.Asp317Glu; replaces aspartic acid 317 with glutamic acid.
Molecular consequence: missense variant.
Genome position (GRCh38, 1-based): chr1:55,008,616, C>A. VCF-style: chr1-55008616-C-A. GRCh37 (hg19) VCF-style: chr1-55474289-C-A.
Other names: short protein forms D317E.
Identifiers: ClinVar variation 227194 (VCV000227194.4), dbSNP rs876657432, ClinGen allele CA10576430.

ClinVar aggregate classification (germline): Likely benign (1 of 4 stars; one submission).

Allele frequency attached by ClinVar (database versions not stated): gnomAD exomes below 0.00001.
gnomAD v4.1: 1 of 1,614,156 alleles (0.000062%); highest among the groups gnomAD compares: South Asian, 0.0011%; no homozygotes.

Submission:

Laboratory for Molecular Medicine, Mass General Brigham Personalized Medicine
Classification: Likely benign. Last evaluated: 2015-11-03. Review status: criteria provided, single submitter. Criteria: LMM Criteria. Collection method: clinical testing. Allele origin: germline. Observed: 1 variant allele.
Comment: p.Asp317Glu in exon 4 of BSND: This variant is not expected to have clinical sig nificance due to a lack of conservation across species, including mammals. Of no te, five mammals (Tibetan antelope, cow, sheep domestic goat, shrew) have a glut amic acid (Glu) at this position.